The following is an entry in ClinVar:

NM_020442.6(VARS2):c.2908G>A (p.Gly970Ser)

Gene: VARS2 (valyl-tRNA synthetase 2, mitochondrial; plus strand). Cytogenetic location: 6p21.33.
Variant type: single nucleotide variant.
Coding change: c.2908G>A on transcript NM_020442.6 (MANE Select); coding-DNA position 2908, G replaced by A.
Protein change: p.Gly970Ser; replaces glycine 970 with serine.
Molecular consequence: missense variant.
Genome position (GRCh38, 1-based): chr6:30,925,666, G>A. VCF-style: chr6-30925666-G-A. GRCh37 (hg19) VCF-style: chr6-30893443-G-A.
Other names: c.2488G>A, p.Gly830Ser (NM_001167733.3); c.2998G>A, p.Gly1000Ser (NM_001167734.2); short protein forms G1000S, G830S, G970S.
Identifiers: ClinVar variation 2502569 (VCV002502569.3), dbSNP rs528157661, ClinGen allele CA3706412.

ClinVar aggregate classification (germline): Uncertain significance. Review status: criteria provided, multiple submitters, no conflicts (2 of 4 stars). 3 submissions from 3 submitters: Uncertain significance (3). Last evaluated 2024-09-11.

Conditions:
Inborn genetic diseases. Identifiers: MedGen C0950123, MeSH D030342.

Allele frequency attached by ClinVar (database versions not stated): gnomAD exomes 0.00002; ExAC 0.00003; 1000 Genomes Project 0.00020; TOPMed 0.00022; gnomAD 0.00024; 1000 Genomes Project 30x 0.00031.
gnomAD v4.1: 58 of 1,610,714 alleles (0.0036%); highest among the groups gnomAD compares: African/African-American, 0.06%; no homozygotes.

Submissions (3):

Blueprint Genetics
Classification: Uncertain significance. Last evaluated: 2024-09-11. Review status: criteria provided, single submitter. Criteria: ACMG Guidelines, 2015. Collection method: clinical testing. Allele origin: germline.

Ambry Genetics
Classification: Uncertain significance for Inborn genetic diseases. Last evaluated: 2023-12-28. Review status: criteria provided, single submitter. Criteria: Ambry Variant Classification Scheme 2023. Collection method: clinical testing. Allele origin: germline.

GeneDx
Classification: Uncertain significance. Last evaluated: 2023-05-16. Review status: criteria provided, single submitter. Criteria: GeneDx Variant Classification Process June 2021. Collection method: clinical testing. Allele origin: germline. Affected: yes.
Comment: In silico analysis supports that this missense variant has a deleterious effect on protein structure/function; Has not been previously published as pathogenic or benign to our knowledge